The following is an entry in ClinVar:

NM_000553.6(WRN):c.97-7A>G

Gene: WRN (WRN RecQ like helicase; plus strand). Cytogenetic location: 8p12.
Variant type: single nucleotide variant.
Coding change: c.97-7A>G on transcript NM_000553.6 (MANE Select); 7 bases into the intron before coding-DNA position 97, A replaced by G.
Molecular consequence: intron variant.
Genome position (GRCh38, 1-based): chr8:31,059,146, A>G. VCF-style: chr8-31059146-A-G. GRCh37 (hg19) VCF-style: chr8-30916662-A-G.
Identifiers: ClinVar variation 1036119 (VCV001036119.5), dbSNP rs1812385947, ClinGen allele CA2499219223.
Genomic context (GRCh38, chr8:31,059,146, plus strand): 5'-TTATTTCAGTGAACATTTGTTATTTGATGTGAACTTTGTGCCTGTTTTGAAATTTACTAA[A>G]CTCAAGGCATGTGTTCGGAAGAGTGTTTTTGAAGATGACCTCCCCTTCTTAGAATTCACT-3'

ClinVar aggregate classification (germline): Uncertain significance (1 of 4 stars; one submission).

Conditions:
Werner syndrome (WRN). Identifiers: Orphanet 902, MedGen C0043119, MONDO:0010196, OMIM 277700.

Submission:

Labcorp Genetics (formerly Invitae), Labcorp
Classification: Uncertain significance for Werner syndrome. Last evaluated: 2020-10-06. Review status: criteria provided, single submitter. Criteria: Invitae Variant Classification Sherloc (09022015). Collection method: clinical testing. Allele origin: germline.
Comment: In summary, the available evidence is currently insufficient to determine the role of this variant in disease. Therefore, it has been classified as a Variant of Uncertain Significance. Algorithms developed to predict the effect of sequence changes on RNA splicing suggest that this variant may disrupt the consensus splice site, but this prediction has not been confirmed by published transcriptional studies. This variant has not been reported in the literature in individuals with WRN-related conditions. This variant is not present in population databases (ExAC no frequency). This sequence change falls in intron 2 of the WRN gene. It does not directly change the encoded amino acid sequence of the WRN protein.